The following is an entry in ClinVar:

ClinVar aggregate classification (germline): Uncertain significance (1 of 4 stars; one submission).

Conditions:
Inborn genetic diseases. Identifiers: MedGen C0950123, MeSH D030342.

gnomAD v4.1: 1 of 1,613,570 alleles (0.000062%); highest among the groups gnomAD compares: Non-Finnish European, 0.000085%; no homozygotes.

Submission:

Ambry Genetics
Classification: Uncertain significance for Inborn genetic diseases. Last evaluated: 2025-03-18. Review status: criteria provided, single submitter. Criteria: Ambry Variant Classification Scheme 2023. Collection method: clinical testing. Allele origin: germline.
Comment: The p.K473Q variant (also known as c.1417A>C), located in coding exon 11 of the CEP57 gene, results from an A to C substitution at nucleotide position 1417. The lysine at codon 473 is replaced by glutamine, an amino acid with similar properties. This amino acid position is conserved. In addition, this alteration is predicted to be tolerated by in silico analysis. Based on the available evidence, the clinical significance of this variant remains unclear.

NM_014679.5(CEP57):c.1417A>C (p.Lys473Gln)

Gene: CEP57 (centrosomal protein 57; plus strand). Cytogenetic location: 11q21.
Variant type: single nucleotide variant.
Coding change: c.1417A>C on transcript NM_014679.5 (MANE Select); coding-DNA position 1417, A replaced by C.
Protein change: p.Lys473Gln; replaces lysine 473 with glutamine.
Molecular consequence: missense variant.
Genome position (GRCh38, 1-based): chr11:95,831,170, A>C. VCF-style: chr11-95831170-A-C. GRCh37 (hg19) VCF-style: chr11-95564334-A-C.
Other names: c.1339A>C, p.Lys447Gln (NM_001243777.2); c.1336A>C, p.Lys446Gln (NM_001363604.2); c.1390A>C, p.Lys464Gln (NM_001243776.2); short protein forms K447Q, K473Q, K464Q, K446Q.
Identifiers: ClinVar variation 4000976 (VCV004000976.1).